The following is an entry in ClinVar:

ClinVar aggregate classification (germline): Uncertain significance. Review status: criteria provided, multiple submitters, no conflicts (2 of 4 stars). 2 submissions from 2 submitters: Uncertain significance (2). Last evaluated 2025-02-13.

Conditions:
Cone-rod dystrophy 6 (CORD6). Also called: RETINAL CONE DYSTROPHY 2; Cone dystrophy progressive. Identifiers: Orphanet 1872, MedGen C1866293, MONDO:0011143, OMIM 601777.
Leber congenital amaurosis 1 (LCA1). Also called: AMAUROSIS CONGENITA OF LEBER I; RETINAL BLINDNESS, CONGENITAL; Congenital absence of the rods and cones; Leber's congenital tapetoretinal degeneration; Leber's congenital tapetoretinal dysplasia. Identifiers: Orphanet 65, MedGen C2931258, MONDO:0008764, OMIM 204000.

gnomAD v4.1: 31 of 1,613,986 alleles (0.0019%); highest among the groups gnomAD compares: East Asian, 0.013%; no homozygotes.

Submissions (2):

Labcorp Genetics (formerly Invitae), Labcorp
Classification: Uncertain significance for Leber congenital amaurosis 1; Cone-rod dystrophy 6. Last evaluated: 2025-02-13. Review status: criteria provided, single submitter. Criteria: Invitae Variant Classification Sherloc (09022015). Collection method: clinical testing. Allele origin: germline.
Comment: This sequence change replaces arginine, which is basic and polar, with histidine, which is basic and polar, at codon 742 of the GUCY2D protein (p.Arg742His). This variant is present in population databases (rs138176835, gnomAD 0.003%). This variant has not been reported in the literature in individuals affected with GUCY2D-related conditions. Invitae Evidence Modeling of protein sequence and biophysical properties (such as structural, functional, and spatial information, amino acid conservation, physicochemical variation, residue mobility, and thermodynamic stability) has been performed for this missense variant. However, the output from this modeling did not meet the statistical confidence thresholds required to predict the impact of this variant on GUCY2D protein function. In summary, the available evidence is currently insufficient to determine the role of this variant in disease. Therefore, it has been classified as a Variant of Uncertain Significance.

Blueprint Genetics
Classification: Uncertain significance. Last evaluated: 2024-08-22. Review status: criteria provided, single submitter. Criteria: ACMG Guidelines, 2015. Collection method: clinical testing. Allele origin: germline.

NM_000180.4(GUCY2D):c.2225G>A (p.Arg742His)

Gene: GUCY2D (guanylate cyclase 2D, retinal; plus strand). Cytogenetic location: 17p13.1.
Variant type: single nucleotide variant.
Coding change: c.2225G>A on transcript NM_000180.4 (MANE Select); coding-DNA position 2225, G replaced by A.
Protein change: p.Arg742His; replaces arginine 742 with histidine.
Molecular consequence: missense variant.
Genome position (GRCh38, 1-based): chr17:8,013,214, G>A. VCF-style: chr17-8013214-G-A. GRCh37 (hg19) VCF-style: chr17-7916532-G-A.
Other names: short protein forms R742H.
Identifiers: ClinVar variation 4783058 (VCV004783058.2).